The following is an entry in ClinVar:

NM_001065.4(TNFRSF1A):c.789T>C (p.Thr263=)

Gene: TNFRSF1A (TNF receptor superfamily member 1A; minus strand). Cytogenetic location: 12p13.31.
Variant type: single nucleotide variant.
Coding change: c.789T>C on transcript NM_001065.4 (MANE Select); coding-DNA position 789, T replaced by C.
Protein change: p.Thr263=; no amino-acid change (threonine 263 retained).
Molecular consequence: synonymous variant. On other transcripts: non-coding transcript variant (1).
Genome position (GRCh38, 1-based): chr12:6,330,046, A>G on the plus strand (T>C on the coding strand, the complement: TNFRSF1A is on the minus strand). VCF-style: chr12-6330046-A-G. GRCh37 (hg19) VCF-style: chr12-6439212-A-G.
Other names: c.465T>C, p.Thr155= (NM_001346091.2); c.330T>C, p.Thr110= (NM_001346092.2).
Identifiers: ClinVar variation 1167637 (VCV001167637.16), dbSNP rs201290189, ClinGen allele CA6405355.

ClinVar aggregate classification (germline): Benign/Likely benign. Review status: criteria provided, multiple submitters, no conflicts (2 of 4 stars). 5 submissions from 5 submitters: Benign (1); Likely benign (2). 2 of the submissions do not count toward it. Last evaluated 2025-09-23.

Conditions:
TNFRSF1A-related disorder. Also called: TNFRSF1A-related condition.
Autoinflammatory syndrome. Identifiers: Orphanet 93665, MedGen C3890737, MONDO:0019751.
TNF receptor-associated periodic fever syndrome (TRAPS) (FPF). Also called: TNF RECEPTOR-ASSOCIATED PERIODIC SYNDROME; TUMOR NECROSIS FACTOR RECEPTOR-ASSOCIATED PERIODIC SYNDROME; FAMILIAL HIBERNIAN FEVER; TNF Receptor-Associated Periodic Fever Syndrome; Autosomal Dominant Familial Periodic Fever; TNF receptor 1-associated periodic fever syndrome. Identifiers: Orphanet 32960, MedGen C1275126, MONDO:0007727, OMIM 142680.

Allele frequency attached by ClinVar (database versions not stated): TOPMed 0.00001; gnomAD 0.00013; gnomAD exomes 0.00030 and 0.00069; 1000 Genomes Project 30x 0.00062; ExAC 0.00077; 1000 Genomes Project 0.00080.
gnomAD v4.1: 470 of 1,613,076 alleles (0.029%); highest among the groups gnomAD compares: South Asian, 0.48%; 8 homozygotes.

Submissions (5):

Labcorp Genetics (formerly Invitae), Labcorp
Classification: Benign for TNF receptor-associated periodic fever syndrome (TRAPS). Last evaluated: 2025-09-23. Review status: criteria provided, single submitter. Criteria: Invitae Variant Classification Sherloc (09022015). Collection method: clinical testing. Allele origin: germline.

Blueprint Genetics
Classification: Likely benign. Last evaluated: 2024-11-19. Review status: criteria provided, single submitter. Criteria: ACMG Guidelines, 2015. Collection method: clinical testing. Allele origin: germline.

Genome Diagnostics Laboratory, The Hospital for Sick Children
Classification: Likely benign for Autoinflammatory syndrome. Last evaluated: 2020-04-01. Review status: criteria provided, single submitter. Criteria: ACMG Guidelines, 2015. Collection method: clinical testing. Allele origin: germline. Affected: yes.

PreventionGenetics, part of Exact Sciences
Classification: Likely benign for TNFRSF1A-related condition. Last evaluated: 2024-09-14. Review status: no assertion criteria provided. Collection method: clinical testing. Allele origin: germline. Not counted in ClinVar's aggregate classification.
Comment: This variant is classified as likely benign based on ACMG/AMP sequence variant interpretation guidelines (Richards et al. 2015 PMID: 25741868, with internal and published modifications).

Molecular Genetics Laboratory, BC Children's and BC Women's Hospitals
Classification: Likely benign for TNF receptor-associated periodic fever syndrome (TRAPS). Last evaluated: 2021-11-18. Review status: no assertion criteria provided. Criteria: ACMG Guidelines, 2015. Collection method: clinical testing. Allele origin: germline. Affected: yes. Not counted in ClinVar's aggregate classification.